The following is an entry in ClinVar:

ClinVar aggregate classification (germline): Uncertain significance (1 of 4 stars; one submission).

gnomAD v4.1: 13 of 1,614,016 alleles (0.00081%); highest among the groups gnomAD compares: African/African-American, 0.0027%; no homozygotes.

Submission:

GeneDx
Classification: Uncertain significance. Last evaluated: 2025-02-11. Review status: criteria provided, single submitter. Criteria: GeneDx Variant Classification Process June 2021. Collection method: clinical testing. Allele origin: germline.
Comment: Reported in an individual with limb girdle muscular dystrophy; however, additional clinical details were not provided (PMID: 34559919); Not observed at significant frequency in large population cohorts (gnomAD); In silico analysis supports that this missense variant has a deleterious effect on protein structure/function; This variant is associated with the following publications: (PMID: 24438169, 34559919)

NM_001130987.2(DYSF):c.4273G>A (p.Asp1425Asn)

Gene: DYSF (dysferlin; plus strand). Cytogenetic location: 2p13.2.
Variant type: single nucleotide variant.
Coding change: c.4273G>A on transcript NM_001130987.2 (MANE Select); coding-DNA position 4273, G replaced by A.
Protein change: p.Asp1425Asn; replaces aspartic acid 1425 with asparagine.
Molecular consequence: missense variant.
Genome position (GRCh38, 1-based): chr2:71,612,692, G>A. VCF-style: chr2-71612692-G-A. GRCh37 (hg19) VCF-style: chr2-71839822-G-A.
Other names: c.4222G>A, p.Asp1408Asn (NM_001130455.2, NM_001130983.2); c.4177G>A, p.Asp1393Asn (NM_001130976.2, NM_001130977.2); c.4219G>A, p.Asp1407Asn (NM_001130978.2, NM_003494.4); c.4312G>A, p.Asp1438Asn (NM_001130979.2); c.4270G>A, p.Asp1424Asn (NM_001130980.2, NM_001130981.2); c.4315G>A, p.Asp1439Asn (NM_001130982.2); c.4180G>A, p.Asp1394Asn (NM_001130984.2, NM_001130986.2); c.4273G>A, p.Asp1425Asn (NM_001130985.2); short protein forms D1393N, D1394N, D1407N, D1408N, D1424N, D1425N, D1438N, D1439N.
Identifiers: ClinVar variation 3342720 (VCV003342720.2).